The following is an entry in ClinVar:

ClinVar aggregate classification (germline): Uncertain significance (1 of 4 stars; one submission).

Submission:

GeneDx
Classification: Uncertain significance. Last evaluated: 2024-01-08. Review status: criteria provided, single submitter. Criteria: GeneDx Variant Classification Process June 2021. Collection method: clinical testing. Allele origin: germline. Affected: yes.
Comment: Not observed at significant frequency in large population cohorts (gnomAD); In silico analysis supports that this missense variant does not alter protein structure/function; Has not been previously published as pathogenic or benign to our knowledge

NM_152490.5(B3GALNT2):c.601C>G (p.Gln201Glu)

Gene: B3GALNT2 (beta-1,3-N-acetylgalactosaminyltransferase 2; minus strand). Cytogenetic location: 1q42.3.
Variant type: single nucleotide variant.
Coding change: c.601C>G on transcript NM_152490.5 (MANE Select); coding-DNA position 601, C replaced by G.
Protein change: p.Gln201Glu; replaces glutamine 201 with glutamic acid.
Molecular consequence: missense variant.
Genome position (GRCh38, 1-based): chr1:235,480,104, G>C on the plus strand (C>G on the coding strand, the complement: B3GALNT2 is on the minus strand). VCF-style: chr1-235480104-G-C. GRCh37 (hg19) VCF-style: chr1-235643420-G-C.
Other names: c.724C>G, p.Gln242Glu (NM_001277155.3); short protein forms Q201E, Q242E.
Identifiers: ClinVar variation 3252564 (VCV003252564.1), dbSNP rs1558429827.